The following is an entry in ClinVar:

NM_000702.4(ATP1A2):c.*703G>A

Gene: ATP1A2 (ATPase Na+/K+ transporting subunit alpha 2; plus strand). Cytogenetic location: 1q23.2.
Variant type: single nucleotide variant.
Coding change: c.*703G>A on transcript NM_000702.4 (MANE Select); 703 bases downstream of the stop codon, G replaced by A.
Molecular consequence: 3 prime UTR variant.
Genome position (GRCh38, 1-based): chr1:160,142,025, G>A. VCF-style: chr1-160142025-G-A. GRCh37 (hg19) VCF-style: chr1-160111815-G-A.
Identifiers: ClinVar variation 293152 (VCV000293152.9), dbSNP rs57902482, ClinGen allele CA10607936.

ClinVar aggregate classification (germline): Benign. Review status: criteria provided, multiple submitters, no conflicts (2 of 4 stars). 8 submissions from 4 submitters: Benign (8). Last evaluated 2021-12-05.

Conditions:
Developmental and epileptic encephalopathy 98. Identifiers: MedGen C5562017, MONDO:0030472, OMIM 619605.
Fetal akinesia, respiratory insufficiency, microcephaly, polymicrogyria, and dysmorphic facies. Identifiers: MedGen C5562015, MONDO:0859204, OMIM 619602.
Migraine, familial hemiplegic, 2. Identifiers: Orphanet 569, MedGen C1865322, MONDO:0011232, OMIM 602481.
Alternating hemiplegia of childhood 1 (AHC1). Identifiers: Orphanet 2131, MedGen C3549447, MONDO:0007087, OMIM 104290.

Allele frequency attached by ClinVar (database versions not stated): gnomAD exomes 0.00202; gnomAD 0.01488; 1000 Genomes Project 0.01518; 1000 Genomes Project 30x 0.01530; TOPMed 0.01661.
gnomAD v4.1: 2,182 of 153,764 alleles (1.4%); highest among the groups gnomAD compares: African/African-American, 4.9%; 59 homozygotes.

Submissions (8):

Genome-Nilou Lab
Classification: Benign for Alternating hemiplegia of childhood 1. Last evaluated: 2021-12-05. Review status: criteria provided, single submitter. Criteria: ACMG Guidelines, 2015. Collection method: clinical testing. Allele origin: germline. Affected: no.

Genome-Nilou Lab
Classification: Benign for Developmental and epileptic encephalopathy 98. Last evaluated: 2021-12-05. Review status: criteria provided, single submitter. Criteria: ACMG Guidelines, 2015. Collection method: clinical testing. Allele origin: germline. Affected: no.

Genome-Nilou Lab
Classification: Benign for Fetal akinesia, respiratory insufficiency, microcephaly, polymicrogyria, and dysmorphic facies. Last evaluated: 2021-12-05. Review status: criteria provided, single submitter. Criteria: ACMG Guidelines, 2015. Collection method: clinical testing. Allele origin: germline. Affected: no.

Genome-Nilou Lab
Classification: Benign for Migraine, familial hemiplegic, 2. Last evaluated: 2021-12-05. Review status: criteria provided, single submitter. Criteria: ACMG Guidelines, 2015. Collection method: clinical testing. Allele origin: germline. Affected: no.

GeneDx
Classification: Benign. Last evaluated: 2021-05-23. Review status: criteria provided, single submitter. Criteria: GeneDx Variant Classification Process June 2021. Collection method: clinical testing. Allele origin: germline. Affected: yes.

Illumina Laboratory Services, Illumina
Classification: Benign for Migraine, familial hemiplegic, 2. Last evaluated: 2018-01-13. Review status: criteria provided, single submitter. Criteria: ICSL Variant Classification Criteria 13 December 2019. Collection method: clinical testing. Allele origin: germline.
Comment: This variant was observed in the ICSL laboratory as part of a predisposition screen in an ostensibly healthy population. It had not been previously curated by ICSL or reported in the Human Gene Mutation Database (HGMD: prior to June 1st, 2018), and was therefore a candidate for classification through an automated scoring system. Utilizing variant allele frequency, disease prevalence and penetrance estimates, and inheritance mode, an automated score was calculated to assess if this variant is too frequent to cause the disease. Based on the score and internal cut-off values, a variant classified as benign is not then subjected to further curation. The score for this variant resulted in a classification of benign for this disease.

Illumina Laboratory Services, Illumina
Classification: Benign for Alternating hemiplegia of childhood 1. Last evaluated: 2018-01-13. Review status: criteria provided, single submitter. Criteria: ICSL Variant Classification Criteria 13 December 2019. Collection method: clinical testing. Allele origin: germline.
Comment: the same text as in the submission from Illumina Laboratory Services, Illumina above.

Breakthrough Genomics
Classification: Benign. Review status: criteria provided, single submitter. Criteria: ACMG Guidelines, 2015. Collection method: not provided. Allele origin: germline. Inheritance: Autosomal recessive inheritance. Affected: yes.